The following is an entry in ClinVar:

NM_020911.2(PLXNA4):c.4098G>C (p.Leu1366=)

Gene: PLXNA4 (plexin A4; minus strand). Cytogenetic location: 7q32.3.
Variant type: single nucleotide variant.
Coding change: c.4098G>C on transcript NM_020911.2 (MANE Select); coding-DNA position 4098, G replaced by C.
Protein change: p.Leu1366=; no amino-acid change (leucine 1366 retained).
Molecular consequence: synonymous variant.
Genome position (GRCh38, 1-based): chr7:132,168,492, C>G on the plus strand (G>C on the coding strand, the complement: PLXNA4 is on the minus strand). VCF-style: chr7-132168492-C-G. GRCh37 (hg19) VCF-style: chr7-131853251-C-G.
Other names: c.4098G>C, p.Leu1366= (NM_001393897.1).
Identifiers: ClinVar variation 3355366 (VCV003355366.1).

ClinVar aggregate classification (germline): Likely benign (0 of 4 stars; one submission).

Conditions:
PLXNA4-related disorder. Also called: PLXNA4-related condition.

Submission:

PreventionGenetics, part of Exact Sciences
Classification: Likely benign for PLXNA4-related condition. Last evaluated: 2022-03-10. Review status: no assertion criteria provided. Collection method: clinical testing. Allele origin: germline.
Comment: This variant is classified as likely benign based on ACMG/AMP sequence variant interpretation guidelines (Richards et al. 2015 PMID: 25741868, with internal and published modifications).